The following is an entry in ClinVar:

NM_013328.4(PYCR2):c.385C>T (p.Gln129Ter)

Gene: PYCR2 (pyrroline-5-carboxylate reductase 2; minus strand). Cytogenetic location: 1q42.12.
Variant type: single nucleotide variant.
Coding change: c.385C>T on transcript NM_013328.4 (MANE Select); coding-DNA position 385, C replaced by T.
Protein change: p.Gln129Ter; replaces glutamine 129 with a stop codon.
Molecular consequence: nonsense. On other transcripts: intron variant (1).
Genome position (GRCh38, 1-based): chr1:225,922,013, G>A on the plus strand (C>T on the coding strand, the complement: PYCR2 is on the minus strand). VCF-style: chr1-225922013-G-A. GRCh37 (hg19) VCF-style: chr1-226109713-G-A.
Other names: c.318+191C>T (NM_001271681.2); short protein forms Q129*.
Identifiers: ClinVar variation 5036881 (VCV005036881.1).

ClinVar aggregate classification (germline): Likely pathogenic (1 of 4 stars; one submission).

Conditions:
Leukodystrophy, hypomyelinating, 10. Also called: PYCR2-related microcephaly-progressive leukoencephalopathy. Identifiers: Orphanet 481152, MedGen C4225332, MONDO:0014632, OMIM 616420.

Submission:

Pardis Pathobiology & Genetics Laboratories
Classification: Likely pathogenic for Leukodystrophy, hypomyelinating, 10. Last evaluated: 2026-10-21. Review status: criteria provided, single submitter. Criteria: ACMG Guidelines, 2015. Collection method: clinical testing. Allele origin: germline. Inheritance: Autosomal recessive inheritance. Affected: yes. Observed: 1 variant allele, 1 homozygote.
Comment: The PYCR2 variant NM_013328.4:c.385C>T, p.(Gln129Ter), was classified as likely pathogenic using PVS1_VeryStrong and PM2_Supporting. The variant introduces a premature termination codon in exon 4 of 7, more than 50 nucleotides upstream of the final exon–exon junction, and is predicted to trigger nonsense-mediated decay. Loss of function is an established mechanism of PYCR2-related disease. At the time of assessment, the variant was absent from gnomAD v4.1.1 and observed once among 2,404 Iranome alleles (0.0416%), supporting PM2 at the Supporting level. These family findings provide context and were not counted as additional independent ACMG/AMP criteria. Neither nonsense-mediated decay nor production of a truncated protein was experimentally assessed. Brain MRI was not performed, so hypomyelination was not evaluated.